The following is an entry in ClinVar:

ClinVar aggregate classification (germline): Pathogenic/Likely pathogenic. Review status: criteria provided, multiple submitters, no conflicts (2 of 4 stars). 2 submissions from 2 submitters: Pathogenic (1); Likely pathogenic (1). Last evaluated 2023-02-13.

Conditions:
Retinitis pigmentosa 25 (RP25). Identifiers: Orphanet 791, MedGen C1864446, MONDO:0011272, OMIM 602772.

Submissions (2):

Baylor Genetics
Classification: Likely pathogenic for Retinitis pigmentosa 25. Last evaluated: 2023-02-13. Review status: criteria provided, single submitter. Criteria: ACMG Guidelines, 2015. Collection method: clinical testing. Allele origin: unknown.

Labcorp Genetics (formerly Invitae), Labcorp
Classification: Pathogenic. Last evaluated: 2022-06-25. Review status: criteria provided, single submitter. Criteria: Invitae Variant Classification Sherloc (09022015). Collection method: clinical testing. Allele origin: germline.
Comment: ClinVar contains an entry for this variant (Variation ID: 1075860). For these reasons, this variant has been classified as Pathogenic. This variant has not been reported in the literature in individuals affected with EYS-related conditions. This variant is not present in population databases (gnomAD no frequency). This sequence change creates a premature translational stop signal (p.Ser1257Phefs*21) in the EYS gene. It is expected to result in an absent or disrupted protein product. Loss-of-function variants in EYS are known to be pathogenic (PMID: 18836446, 20333770).

Literature cited by the submitters: PubMed 18836446 (cited by Labcorp Genetics (formerly Invitae), Labcorp); PubMed 20333770 (cited by Labcorp Genetics (formerly Invitae), Labcorp).

NM_001142800.2(EYS):c.3768_3769dup (p.Ser1257fs)

Gene: EYS (EGF-like photoreceptor maintenance factor; minus strand). Cytogenetic location: 6q12.
Variant type: Duplication.
Coding change: c.3768_3769dup on transcript NM_001142800.2 (MANE Select); coding-DNA positions 3768 to 3769, 2 bases duplicated (TT; older notation c.3768_3769dupTT).
Protein change: p.Ser1257fs; shifts the reading frame from serine 1257.
Molecular consequence: frameshift variant.
Genome position (GRCh38, 1-based): chr6:64,593,225-64,593,226, AA duplicated on the plus strand (TT on the coding strand, the reverse complement: EYS is on the minus strand); duplicating any 2 consecutive bases within chr6:64,593,225-64,593,227 gives the same sequence; the c. name uses the placement nearest the transcript's 3' end. VCF-style (leftmost placement, unchanged base first): chr6-64593224-G-GAA. GRCh37 (hg19) VCF-style: chr6-65303117-G-GAA.
Other names: c.3768_3769dup, p.Ser1257fs (NM_001292009.2); short protein forms S1257fs.
Identifiers: ClinVar variation 1075860 (VCV001075860.8), dbSNP rs2149833352, ClinGen allele CA2499218458.